The following is an entry in ClinVar:

NM_004535.3(MYT1):c.*305G>T

Gene: MYT1 (myelin transcription factor 1; plus strand). Cytogenetic location: 20q13.33.
Variant type: single nucleotide variant.
Coding change: c.*305G>T on transcript NM_004535.3 (MANE Select); 305 bases downstream of the stop codon, G replaced by T.
Molecular consequence: 3 prime UTR variant.
Genome position (GRCh38, 1-based): chr20:64,240,753, G>T. VCF-style: chr20-64240753-G-T. GRCh37 (hg19) VCF-style: chr20-62872106-G-T.
Identifiers: ClinVar variation 3054773 (VCV003054773.2), dbSNP rs34316071, ClinGen allele CA317606183.

ClinVar aggregate classification (germline): Likely benign (0 of 4 stars; one submission).

Conditions:
MYT1-related disorder. Also called: MYT1-related condition.

Allele frequency attached by ClinVar (database versions not stated): 1000 Genomes Project 30x 0.01843; 1000 Genomes Project 0.01897; gnomAD 0.03131; TOPMed 0.03131; gnomAD exomes 0.03725.
gnomAD v4.1: 10,314 of 297,004 alleles (3.5%); highest among the groups gnomAD compares: Middle Eastern, 9.5%; 261 homozygotes.

Submission:

PreventionGenetics, part of Exact Sciences
Classification: Likely benign for MYT1-related condition. Last evaluated: 2023-02-21. Review status: no assertion criteria provided. Collection method: clinical testing. Allele origin: germline.
Comment: This variant is classified as likely benign based on ACMG/AMP sequence variant interpretation guidelines (Richards et al. 2015 PMID: 25741868, with internal and published modifications).